The following is an entry in ClinVar:

ClinVar aggregate classification (germline): Benign. Review status: criteria provided, multiple submitters, no conflicts (2 of 4 stars). 5 submissions from 2 submitters: Benign (5). Last evaluated 2018-01-13.

Conditions:
Neonatal severe primary hyperparathyroidism. Identifiers: Orphanet 417, MedGen C1832615, MONDO:0009397, OMIM 239200.
Familial hypoparathyroidism. Also called: Familial isolated hypoparathyroidism. Identifiers: Orphanet 2238, MedGen C1832648, MONDO:0016390.
Autosomal dominant hypocalcemia 1 (HYPOC1). Also called: HYPOCALCEMIA, FAMILIAL. Identifiers: MedGen C3715128, MONDO:0011013, OMIM 601198.
Familial hypocalciuric hypercalcemia 1. Also called: Hypercalcemia, familial benign type 1. Identifiers: Orphanet 405, Orphanet 93372, MedGen C0342637, MONDO:0007791, OMIM 145980.

Allele frequency attached by ClinVar (database versions not stated): gnomAD 0.16985 and 0.17297; TOPMed 0.17671; 1000 Genomes Project 30x 0.19503; 1000 Genomes Project 0.19828; gnomAD exomes 0.41667.
gnomAD v4.1: 25,939 of 152,124 alleles (17%); highest among the groups gnomAD compares: East Asian, 40%; 2,638 homozygotes.

Submissions (5):

Illumina Laboratory Services, Illumina
Classification: Benign for Autosomal dominant hypocalcemia 1. Last evaluated: 2018-01-13. Review status: criteria provided, single submitter. Criteria: ICSL Variant Classification Criteria 13 December 2019. Collection method: clinical testing. Allele origin: germline.
Comment: This variant was observed in the ICSL laboratory as part of a predisposition screen in an ostensibly healthy population. It had not been previously curated by ICSL or reported in the Human Gene Mutation Database (HGMD: prior to June 1st, 2018), and was therefore a candidate for classification through an automated scoring system. Utilizing variant allele frequency, disease prevalence and penetrance estimates, and inheritance mode, an automated score was calculated to assess if this variant is too frequent to cause the disease. Based on the score and internal cut-off values, a variant classified as benign is not then subjected to further curation. The score for this variant resulted in a classification of benign for this disease.

Illumina Laboratory Services, Illumina
Classification: Benign for Neonatal severe primary hyperparathyroidism. Last evaluated: 2018-01-13. Review status: criteria provided, single submitter. Criteria: ICSL Variant Classification Criteria 13 December 2019. Collection method: clinical testing. Allele origin: germline.
Comment: the same text as in the submission from Illumina Laboratory Services, Illumina above.

Illumina Laboratory Services, Illumina
Classification: Benign for Familial hypocalciuric hypercalcemia 1. Last evaluated: 2018-01-13. Review status: criteria provided, single submitter. Criteria: ICSL Variant Classification Criteria 13 December 2019. Collection method: clinical testing. Allele origin: germline.
Comment: the same text as in the submission from Illumina Laboratory Services, Illumina above.

Illumina Laboratory Services, Illumina
Classification: Benign for Familial isolated hypoparathyroidism. Last evaluated: 2018-01-13. Review status: criteria provided, single submitter. Criteria: ICSL Variant Classification Criteria 13 December 2019. Collection method: clinical testing. Allele origin: germline.
Comment: the same text as in the submission from Illumina Laboratory Services, Illumina above.

Breakthrough Genomics
Classification: Benign. Review status: criteria provided, single submitter. Criteria: ACMG Guidelines, 2015. Collection method: not provided. Allele origin: germline. Inheritance: Autosomal recessive inheritance. Affected: yes.

NM_000388.4(CASR):c.*1093C>T

Gene: CASR (calcium sensing receptor; plus strand). Cytogenetic location: 3q21.1.
Variant type: single nucleotide variant.
Coding change: c.*1093C>T on transcript NM_000388.4 (MANE Select); 1093 bases downstream of the stop codon, C replaced by T.
Molecular consequence: 3 prime UTR variant.
Genome position (GRCh38, 1-based): chr3:122,286,284, C>T. VCF-style: chr3-122286284-C-T. GRCh37 (hg19) VCF-style: chr3-122005131-C-T.
Other names: c.*1093C>T (NM_001178065.2).
Identifiers: ClinVar variation 342816 (VCV000342816.6), dbSNP rs1802757, ClinGen allele CA10615068.